The following is an entry in ClinVar:

NM_001164508.2(NEB):c.7163G>A (p.Trp2388Ter)

Gene: NEB (nebulin; minus strand). Cytogenetic location: 2q23.3.
Variant type: single nucleotide variant.
Coding change: c.7163G>A on transcript NM_001164508.2 (MANE Select); coding-DNA position 7163, G replaced by A.
Protein change: p.Trp2388Ter; replaces tryptophan 2388 with a stop codon.
Molecular consequence: nonsense.
Genome position (GRCh38, 1-based): chr2:151,650,638, C>T on the plus strand (G>A on the coding strand, the complement: NEB is on the minus strand). VCF-style: chr2-151650638-C-T. GRCh37 (hg19) VCF-style: chr2-152507152-C-T.
Other names: c.7163G>A, p.Trp2388Ter (NM_001164507.2, NM_001271208.2, NM_004543.5); short protein forms W2388*.
Identifiers: ClinVar variation 1075478 (VCV001075478.7), dbSNP rs2154135091, ClinGen allele CA348789558.

ClinVar aggregate classification (germline): Pathogenic (1 of 4 stars; one submission).

Conditions:
Nemaline myopathy 2 (NEM2). Also called: Nemaline myopathy 2, autosomal recessive. Identifiers: MedGen C1850569, MONDO:0009725, OMIM 256030.

Submission:

Labcorp Genetics (formerly Invitae), Labcorp
Classification: Pathogenic for Nemaline myopathy 2. Last evaluated: 2020-07-09. Review status: criteria provided, single submitter. Criteria: Invitae Variant Classification Sherloc (09022015). Collection method: clinical testing. Allele origin: germline.
Comment: For these reasons, this variant has been classified as Pathogenic. Loss-of-function variants in NEB are known to be pathogenic (PMID: 25205138). This variant has not been reported in the literature in individuals with NEB-related conditions. This variant is not present in population databases (ExAC no frequency). This sequence change creates a premature translational stop signal (p.Trp2388*) in the NEB gene. It is expected to result in an absent or disrupted protein product.

Literature cited by the submitters: PubMed 25205138.